The following is an entry in ClinVar:

ClinVar aggregate classification (germline): Uncertain significance. Review status: criteria provided, multiple submitters, no conflicts (2 of 4 stars). 2 submissions from 2 submitters: Uncertain significance (2). Last evaluated 2025-12-01.

Conditions:
Cardiomyopathy (CMYO). Also called: Cardiomyopathies. Identifiers: Orphanet 167848, MedGen C0878544, MONDO:0004994, HP:0001638. Inheritance: Various modes of inheritance.
Arrhythmogenic right ventricular dysplasia 11. Also called: ARRHYTHMOGENIC RIGHT VENTRICULAR DYSPLASIA, FAMILIAL, 11; Arrhythmogenic Right Ventricular Dysplasia/Cardiomyopathy11; Arrhythmogenic right ventricular dysplasia 11 with mild palmoplantar keratoderma and woolly hair. Identifiers: MedGen C1864850, MONDO:0012506, OMIM 610476.

Submissions (2):

Labcorp Genetics (formerly Invitae), Labcorp
Classification: Uncertain significance for Arrhythmogenic right ventricular dysplasia 11. Last evaluated: 2025-12-01. Review status: criteria provided, single submitter. Criteria: Invitae Variant Classification Sherloc (09022015). Collection method: clinical testing. Allele origin: germline.
Comment: This variant, c.1389_1391del, results in the deletion of 1 amino acid(s) of the DSC2 protein (p.Glu463del), but otherwise preserves the integrity of the reading frame. This variant is present in population databases (no rsID available, gnomAD 0.003%). This variant has not been reported in the literature in individuals affected with DSC2-related conditions. Experimental studies and prediction algorithms are not available or were not evaluated, and the functional significance of this variant is currently unknown. In summary, the available evidence is currently insufficient to determine the role of this variant in disease. Therefore, it has been classified as a Variant of Uncertain Significance.

Color Diagnostics, LLC DBA Color Health
Classification: Uncertain significance for Cardiomyopathy. Last evaluated: 2024-02-14. Review status: criteria provided, single submitter. Criteria: ACMG Guidelines, 2015. Collection method: clinical testing. Allele origin: germline.
Comment: This variant results in the deletion of glutamic acid at codon 463 in the DSC2 protein. To our knowledge, functional studies have not been reported for this variant. This variant has not been reported in individuals affected with DSC2-related disorders in the literature. This variant has been identified in 1/251148 chromosomes in the general population by the Genome Aggregation Database (gnomAD). The available evidence is insufficient to determine the role of this variant in disease conclusively. Therefore, this variant is classified as a Variant of Uncertain Significance.

NM_024422.6(DSC2):c.1386AGA[1] (p.Glu463del)

Gene: DSC2 (desmocollin 2; minus strand). Cytogenetic location: 18q12.1.
Variant type: Microsatellite.
Coding change: c.1386AGA[1] on transcript NM_024422.6 (MANE Select); one copy of the 3-base unit AGA starting at c.1386; the reference has two copies in a row; one copy, 3 bases deleted; also written c.1389_1391del.
Protein change: p.Glu463del; deletes glutamic acid 463.
Genome position (GRCh38, 1-based): chr18:31,080,225-31,080,227, TCT deleted on the plus strand (AGA on the coding strand, the reverse complement: DSC2 is on the minus strand); deleting any 3 consecutive bases within chr18:31,080,225-31,080,230 gives the same sequence; the position shown is the placement nearest the transcript's 3' end. VCF-style (leftmost placement, unchanged base first): chr18-31080224-ATCT-A. GRCh37 (hg19) VCF-style: chr18-28660190-ATCT-A.
Other names: c.1389_1391del (NM_024422.6); c.957AGA[1], p.Glu320del (NM_001406506.1, NM_001406507.1); c.1386AGA[1], p.Glu463del (NM_004949.5); short protein forms E320del, E463del.
Identifiers: ClinVar variation 3708207 (VCV003708207.3).